The following is an entry in ClinVar:

ClinVar aggregate classification (germline): Pathogenic (1 of 4 stars; one submission).

Conditions:
Neurofibromatosis, type 1 (NF1). Also called: VON RECKLINGHAUSEN DISEASE; Peripheral type neurofibromatosis; NEUROFIBROMATOSIS, TYPE I, SOMATIC; Neurofibromatosis, type I. Identifiers: Orphanet 636, MedGen C0027831, MONDO:0018975, OMIM 162200. Disease mechanism: loss of function.

Submission:

Labcorp Genetics (formerly Invitae), Labcorp
Classification: Pathogenic for Neurofibromatosis, type 1. Last evaluated: 2025-10-01. Review status: criteria provided, single submitter. Criteria: Invitae Variant Classification Sherloc (09022015). Collection method: clinical testing. Allele origin: germline.
Comment: This sequence change creates a premature translational stop signal (p.Phe2367Leufs*8) in the NF1 gene. It is expected to result in an absent or disrupted protein product. Loss-of-function variants in NF1 are known to be pathogenic (PMID: 10712197, 23913538). This variant is not present in population databases (gnomAD no frequency). This variant has not been reported in the literature in individuals affected with NF1-related conditions. For these reasons, this variant has been classified as Pathogenic.

Literature cited by the submitters: PubMed 10712197; PubMed 23913538.

NM_001042492.3(NF1):c.7161del (p.Phe2388fs)

Gene: NF1 (neurofibromin 1; plus strand). Cytogenetic location: 17q11.2.
Variant type: Deletion.
Coding change: c.7161del on transcript NM_001042492.3 (MANE Select); coding-DNA position 7161, one base deleted (C; older notation c.7161delC).
Protein change: p.Phe2388fs; shifts the reading frame from phenylalanine 2388.
Molecular consequence: frameshift variant.
Genome position (GRCh38, 1-based): chr17:31,343,107, C deleted. VCF-style (leftmost placement, unchanged base first): chr17-31343106-AC-A. GRCh37 (hg19) VCF-style: chr17-29670124-AC-A.
Other names: c.7098del, p.Phe2367fs (NM_000267.4); short protein forms F2367fs, F2388fs.
Identifiers: ClinVar variation 4728225 (VCV004728225.1).